The following is an entry in ClinVar:

ClinVar aggregate classification (germline): Uncertain significance. Review status: criteria provided, multiple submitters, no conflicts (2 of 4 stars). 2 submissions from 2 submitters: Uncertain significance (2). Last evaluated 2025-02-26.

Conditions:
Inborn genetic diseases. Identifiers: MedGen C0950123, MeSH D030342.

gnomAD v4.1: 9 of 1,613,296 alleles (0.00056%); highest among the groups gnomAD compares: Non-Finnish European, 0.00076%; no homozygotes.

Submissions (2):

Ambry Genetics
Classification: Uncertain significance for Inborn genetic diseases. Last evaluated: 2025-02-26. Review status: criteria provided, single submitter. Criteria: Ambry Variant Classification Scheme 2023. Collection method: clinical testing. Allele origin: germline.

GeneDx
Classification: Uncertain significance. Last evaluated: 2024-06-26. Review status: criteria provided, single submitter. Criteria: GeneDx Variant Classification Process June 2021. Collection method: clinical testing. Allele origin: germline. Affected: yes.
Comment: Not observed at significant frequency in large population cohorts (gnomAD); In silico analysis indicates that this missense variant does not alter protein structure/function; Has not been previously published as pathogenic or benign to our knowledge

NM_017909.4(RMND1):c.42T>A (p.His14Gln)

Gene: RMND1 (required for meiotic nuclear division 1 homolog; minus strand). Cytogenetic location: 6q25.1.
Variant type: single nucleotide variant.
Coding change: c.42T>A on transcript NM_017909.4 (MANE Select); coding-DNA position 42, T replaced by A.
Protein change: p.His14Gln; replaces histidine 14 with glutamine.
Molecular consequence: missense variant. On other transcripts: intron variant (1).
Genome position (GRCh38, 1-based): chr6:151,445,770, A>T on the plus strand (T>A on the coding strand, the complement: RMND1 is on the minus strand). VCF-style: chr6-151445770-A-T. GRCh37 (hg19) VCF-style: chr6-151766905-A-T.
Other names: c.-7+6246T>A (NM_001271937.2); short protein forms H14Q.
Identifiers: ClinVar variation 3392799 (VCV003392799.2).
Genomic context (GRCh38, chr6:151,445,770, plus strand): 5'-CTTAAGTGGTTTTAACATTAGATGACCGATTCTTCGGCACTGATGTGCTTTTGATAATAT[A>T]TGATGAGATCTGGCCACGGCTCTGAGGAGTGTGGCTGGCATTACCACATCCCAAGCTAAA-3'
Protein context (NP_060379.2, residues 4-24): TLLRAVARSH[His14Gln]ILSKAHQCRR